The following is an entry in ClinVar:

ClinVar aggregate classification (germline): Uncertain significance (1 of 4 stars; one submission).

Conditions:
Cardiovascular phenotype. Identifiers: MedGen CN230736.

Submission:

Ambry Genetics
Classification: Uncertain significance for Cardiovascular phenotype. Last evaluated: 2026-03-07. Review status: criteria provided, single submitter. Criteria: Ambry Variant Classification Scheme 2023. Collection method: clinical testing. Allele origin: germline.
Comment: The p.V2850L variant (also known as c.8548G>C), located in coding exon 24 of the TNXB gene, results from a G to C substitution at nucleotide position 8548. The valine at codon 2850 is replaced by leucine, an amino acid with highly similar properties. This amino acid position is conserved. In addition, this alteration is predicted to be tolerated by in silico analysis. Based on the available evidence, the clinical significance of this variant remains unclear.

NM_001365276.2(TNXB):c.8554G>C (p.Val2852Leu)

Gene: TNXB (tenascin XB; minus strand). Cytogenetic location: 6p21.33.
Variant type: single nucleotide variant.
Coding change: c.8554G>C on transcript NM_001365276.2 (MANE Select); coding-DNA position 8554, G replaced by C.
Protein change: p.Val2852Leu; replaces valine 2852 with leucine.
Molecular consequence: missense variant.
Genome position (GRCh38, 1-based): chr6:32,053,625, C>G on the plus strand (G>C on the coding strand, the complement: TNXB is on the minus strand). VCF-style: chr6-32053625-C-G. GRCh37 (hg19) VCF-style: chr6-32021402-C-G.
Other names: c.9295G>C, p.Val3099Leu (NM_001428335.1); c.8548G>C, p.Val2850Leu (NM_019105.8); short protein forms V2850L, V2852L, V3099L.
Identifiers: ClinVar variation 4826806 (VCV004826806.1).